The following is an entry in ClinVar:

ClinVar aggregate classification (germline): Uncertain significance. Review status: criteria provided, multiple submitters, no conflicts (2 of 4 stars). 4 submissions from 4 submitters: Uncertain significance (4). Last evaluated 2026-01-17.

Conditions:
Cardiovascular phenotype. Identifiers: MedGen CN230736.
Hypertrophic cardiomyopathy 11. Also called: ACTC1-Related Familial Hypertrophic Cardiomyopathy. Identifiers: MedGen C2677506, MONDO:0012799, OMIM 612098.
Dilated cardiomyopathy 1R (CMD1R). Identifiers: Orphanet 154, Orphanet 54260, MedGen C3150681, MONDO:0013261, OMIM 613424.
Atrial septal defect 5 (ASD5). Identifiers: Orphanet 1478, MedGen C2748552, MONDO:0013011, OMIM 612794.

Allele frequency attached by ClinVar (database versions not stated): TOPMed below 0.00001.

Submissions (4):

GeneDx
Classification: Uncertain significance. Last evaluated: 2026-01-17. Review status: criteria provided, single submitter. Criteria: GeneDx Variant Classification Process June 2021. Collection method: clinical testing. Allele origin: germline. Affected: yes.
Comment: Identified in individuals with DCM (Pugh et al., 2014; Walsh et al., 2017); In silico analysis supports that this missense variant has a deleterious effect on protein structure/function; This variant is associated with the following publications: (PMID: 27532257, 24503780)

Labcorp Genetics (formerly Invitae), Labcorp
Classification: Uncertain significance for Dilated cardiomyopathy 1R; Hypertrophic cardiomyopathy 11; Atrial septal defect 5. Last evaluated: 2024-11-20. Review status: criteria provided, single submitter. Criteria: Invitae Variant Classification Sherloc (09022015). Collection method: clinical testing. Allele origin: germline.
Comment: This sequence change replaces aspartic acid, which is acidic and polar, with asparagine, which is neutral and polar, at codon 159 of the ACTC1 protein (p.Asp159Asn). This variant is not present in population databases (gnomAD no frequency). This missense change has been observed in individual(s) with dilated cardiomyopathy (PMID: 24503780, 27532257). ClinVar contains an entry for this variant (Variation ID: 45180). Invitae Evidence Modeling of protein sequence and biophysical properties (such as structural, functional, and spatial information, amino acid conservation, physicochemical variation, residue mobility, and thermodynamic stability) has been performed for this missense variant. However, the output from this modeling did not meet the statistical confidence thresholds required to predict the impact of this variant on ACTC1 protein function. In summary, the available evidence is currently insufficient to determine the role of this variant in disease. Therefore, it has been classified as a Variant of Uncertain Significance.

Ambry Genetics
Classification: Uncertain significance for Cardiovascular phenotype. Last evaluated: 2015-10-27. Review status: criteria provided, single submitter. Criteria: Ambry Variant Classification Scheme 2023. Collection method: clinical testing. Allele origin: germline.

Laboratory for Molecular Medicine, Mass General Brigham Personalized Medicine
Classification: Uncertain significance. Last evaluated: 2013-01-09. Review status: criteria provided, single submitter. Criteria: LMM Criteria. Collection method: clinical testing. Allele origin: germline. Observed: 2 variant alleles.
Comment: This variant has not been ident ified in large and broad European American and African American populations by t he NHLBI Exome Sequencing Project, though it may be common in other populations. Computational analyses (biochemical amino a cid properties, conservation, AlignGVGD, PolyPhen2, and SIFT) suggest that the A sp159Asn variant may impact the protein, though this information is not predicti ve enough to determine pathogenicity. In summary, additional information is need ed to fully assess the clinical significance of the Asp159Asn variant.

Literature cited by the submitters: PubMed 24503780 (cited by Labcorp Genetics (formerly Invitae), Labcorp and Laboratory for Molecular Medicine, Mass General Brigham Personalized Medicine); PubMed 27532257 (cited by Labcorp Genetics (formerly Invitae), Labcorp).

NM_005159.5(ACTC1):c.475G>A (p.Asp159Asn)

Genes: ACTC1 (actin alpha cardiac muscle 1; minus strand), GJD2-DT (GJD2 divergent transcript; plus strand). Cytogenetic location: 15q14.
Variant type: single nucleotide variant.
Coding change: c.475G>A on transcript NM_005159.5 (MANE Select); coding-DNA position 475, G replaced by A.
Protein change: p.Asp159Asn; replaces aspartic acid 159 with asparagine.
Molecular consequence: missense variant.
Genome position (GRCh38, 1-based): chr15:34,792,549, C>T on the plus strand (G>A on the coding strand, the complement: ACTC1 is on the minus strand). VCF-style: chr15-34792549-C-T. GRCh37 (hg19) VCF-style: chr15-35084750-C-T.
Other names: p.D159N:GAT>AAT; short protein forms D159N.
Identifiers: ClinVar variation 45180 (VCV000045180.11), dbSNP rs397517063, ClinGen allele CA019788.